The following is an entry in ClinVar:

ClinVar aggregate classification (germline): Uncertain significance. Review status: criteria provided, multiple submitters, no conflicts (2 of 4 stars). 2 submissions from 2 submitters: Uncertain significance (2). Last evaluated 2026-01-21.

Conditions:
Inborn genetic diseases. Identifiers: MedGen C0950123, MeSH D030342.
Cohen syndrome (COH1). Also called: Cutis verticis gyrata, retinitis pigmentosa, and sensorineural deafness; PEPPER SYNDROME. Identifiers: Orphanet 193, MedGen C0265223, MONDO:0008999, OMIM 216550.

Submissions (2):

Labcorp Genetics (formerly Invitae), Labcorp
Classification: Uncertain significance for Cohen syndrome. Last evaluated: 2026-01-21. Review status: criteria provided, single submitter. Criteria: Invitae Variant Classification Sherloc (09022015). Collection method: clinical testing. Allele origin: germline.
Comment: This sequence change replaces asparagine, which is neutral and polar, with serine, which is neutral and polar, at codon 1082 of the VPS13B protein (p.Asn1082Ser). This variant is not present in population databases (gnomAD no frequency). This variant has not been reported in the literature in individuals affected with VPS13B-related conditions. ClinVar contains an entry for this variant (Variation ID: 4199039). Invitae Evidence Modeling of protein sequence and biophysical properties (such as structural, functional, and spatial information, amino acid conservation, physicochemical variation, residue mobility, and thermodynamic stability) indicates that this missense variant is not expected to disrupt VPS13B protein function with a negative predictive value of 80%. In summary, the available evidence is currently insufficient to determine the role of this variant in disease. Therefore, it has been classified as a Variant of Uncertain Significance.

Ambry Genetics
Classification: Uncertain significance for Inborn genetic diseases. Last evaluated: 2025-09-04. Review status: criteria provided, single submitter. Criteria: Ambry Variant Classification Scheme 2023. Collection method: clinical testing. Allele origin: germline.

NM_152564.5(VPS13B):c.3245A>G (p.Asn1082Ser)

Gene: VPS13B (vacuolar protein sorting 13 homolog B; plus strand). Cytogenetic location: 8q22.2.
Variant type: single nucleotide variant.
Coding change: c.3245A>G on transcript NM_152564.5 (MANE Select); coding-DNA position 3245, A replaced by G.
Protein change: p.Asn1082Ser; replaces asparagine 1082 with serine.
Molecular consequence: missense variant.
Genome position (GRCh38, 1-based): chr8:99,442,435, A>G. VCF-style: chr8-99442435-A-G. GRCh37 (hg19) VCF-style: chr8-100454663-A-G.
Other names: c.3245A>G, p.Asn1082Ser (NM_017890.5); short protein forms N1082S.
Identifiers: ClinVar variation 4199039 (VCV004199039.2).